The following is an entry in ClinVar:

NM_032776.3(JMJD1C):c.1685A>T (p.Asp562Val)

Gene: JMJD1C (jumonji domain containing 1C; minus strand). Cytogenetic location: 10q21.3.
Variant type: single nucleotide variant.
Coding change: c.1685A>T on transcript NM_032776.3 (MANE Select); coding-DNA position 1685, A replaced by T.
Protein change: p.Asp562Val; replaces aspartic acid 562 with valine.
Molecular consequence: missense variant. On other transcripts: non-coding transcript variant (1).
Genome position (GRCh38, 1-based): chr10:63,214,482, T>A on the plus strand (A>T on the coding strand, the complement: JMJD1C is on the minus strand). VCF-style: chr10-63214482-T-A. GRCh37 (hg19) VCF-style: chr10-64974242-T-A.
Other names: c.1139A>T, p.Asp380Val (NM_001282948.2, NM_001318154.2); c.821A>T, p.Asp274Val (NM_001318153.2); c.1571A>T, p.Asp524Val (NM_001322252.2); c.1028A>T, p.Asp343Val (NM_001322254.2, NM_001322258.2); short protein forms D274V, D343V, D380V, D524V, D562V.
Identifiers: ClinVar variation 3640213 (VCV003640213.2).

ClinVar aggregate classification (germline): Uncertain significance (1 of 4 stars; one submission).

Conditions:
Early Myoclonic Encephalopathy. Identifiers: MedGen C0270855.

Submission:

Labcorp Genetics (formerly Invitae), Labcorp
Classification: Uncertain significance for Early Myoclonic Encephalopathy. Last evaluated: 2025-09-18. Review status: criteria provided, single submitter. Criteria: Invitae Variant Classification Sherloc (09022015). Collection method: clinical testing. Allele origin: germline.
Comment: This sequence change replaces aspartic acid, which is acidic and polar, with valine, which is neutral and non-polar, at codon 562 of the JMJD1C protein (p.Asp562Val). This variant is not present in population databases (gnomAD no frequency). This variant has not been reported in the literature in individuals affected with JMJD1C-related conditions. ClinVar contains an entry for this variant (Variation ID: 3640213). Invitae Evidence Modeling of protein sequence and biophysical properties (such as structural, functional, and spatial information, amino acid conservation, physicochemical variation, residue mobility, and thermodynamic stability) indicates that this missense variant is not expected to disrupt JMJD1C protein function with a negative predictive value of 80%. In summary, the available evidence is currently insufficient to determine the role of this variant in disease. Therefore, it has been classified as a Variant of Uncertain Significance.